The following is an entry in ClinVar:

NM_032043.3(BRIP1):c.3203C>T (p.Pro1068Leu)

Gene: BRIP1 (BRCA1 interacting DNA helicase 1; minus strand). Cytogenetic location: 17q23.2.
Variant type: single nucleotide variant.
Coding change: c.3203C>T on transcript NM_032043.3 (MANE Select); coding-DNA position 3203, C replaced by T.
Protein change: p.Pro1068Leu; replaces proline 1068 with leucine.
Molecular consequence: missense variant.
Genome position (GRCh38, 1-based): chr17:61,683,843, G>A on the plus strand (C>T on the coding strand, the complement: BRIP1 is on the minus strand). VCF-style: chr17-61683843-G-A. GRCh37 (hg19) VCF-style: chr17-59761204-G-A.
Other names: short protein forms P1068L.
Identifiers: ClinVar variation 890845 (VCV000890845.6), dbSNP rs2061316462, ClinGen allele CA400479326.

ClinVar aggregate classification (germline): Uncertain significance. Review status: criteria provided, multiple submitters, no conflicts (2 of 4 stars). 3 submissions from 3 submitters: Uncertain significance (3). Last evaluated 2025-08-31.

Conditions:
Fanconi anemia complementation group J. Also called: BRIP1-Related Fanconi Anemia. Identifiers: Orphanet 84, MedGen C1836860, MONDO:0012187, OMIM 609054.
Familial cancer of breast. Also called: BREAST CANCER, FAMILIAL; Hereditary breast cancer; hereditary breast carcinoma. Identifiers: Orphanet 227535, MedGen C0346153, MONDO:0016419, OMIM 114480. Disease mechanism: loss of function.
Hereditary cancer-predisposing syndrome. Also called: Tumor predisposition; Neoplastic Syndromes, Hereditary; Hereditary Cancer Syndrome; Hereditary neoplastic syndrome. Identifiers: Orphanet 140162, MedGen C0027672, MeSH D009386, MONDO:0015356.

Submissions (3):

Labcorp Genetics (formerly Invitae), Labcorp
Classification: Uncertain significance for Familial cancer of breast; Fanconi anemia complementation group J. Last evaluated: 2025-08-31. Review status: criteria provided, single submitter. Criteria: Invitae Variant Classification Sherloc (09022015). Collection method: clinical testing. Allele origin: germline.
Comment: This sequence change replaces proline, which is neutral and non-polar, with leucine, which is neutral and non-polar, at codon 1068 of the BRIP1 protein (p.Pro1068Leu). This variant is not present in population databases (gnomAD no frequency). This variant has not been reported in the literature in individuals affected with BRIP1-related conditions. ClinVar contains an entry for this variant (Variation ID: 890845). Invitae Evidence Modeling of protein sequence and biophysical properties (such as structural, functional, and spatial information, amino acid conservation, physicochemical variation, residue mobility, and thermodynamic stability) indicates that this missense variant is not expected to disrupt BRIP1 protein function with a negative predictive value of 95%. In summary, the available evidence is currently insufficient to determine the role of this variant in disease. Therefore, it has been classified as a Variant of Uncertain Significance.

Ambry Genetics
Classification: Uncertain significance for Hereditary cancer-predisposing syndrome. Last evaluated: 2023-11-30. Review status: criteria provided, single submitter. Criteria: Ambry Variant Classification Scheme 2023. Collection method: clinical testing. Allele origin: germline.
Comment: The p.P1068L variant (also known as c.3203C>T), located in coding exon 19 of the BRIP1 gene, results from a C to T substitution at nucleotide position 3203. The proline at codon 1068 is replaced by leucine, an amino acid with similar properties. This amino acid position is conserved. In addition, this alteration is predicted to be tolerated by in silico analysis. Since supporting evidence is limited at this time, the clinical significance of this alteration remains unclear.

Illumina Laboratory Services, Illumina
Classification: Uncertain significance for Fanconi anemia complementation group J. Last evaluated: 2018-01-13. Review status: criteria provided, single submitter. Criteria: ICSL Variant Classification Criteria 13 December 2019. Collection method: clinical testing. Allele origin: germline.